The following is an entry in ClinVar:

ClinVar aggregate classification (germline): Uncertain significance (1 of 4 stars; one submission).

Submission:

Labcorp Genetics (formerly Invitae), Labcorp
Classification: Uncertain significance. Last evaluated: 2025-06-16. Review status: criteria provided, single submitter. Criteria: Invitae Variant Classification Sherloc (09022015). Collection method: clinical testing. Allele origin: germline.
Comment: This sequence change replaces asparagine, which is neutral and polar, with serine, which is neutral and polar, at codon 147 of the CEP55 protein (p.Asn147Ser). This variant is not present in population databases (gnomAD no frequency). This variant has not been reported in the literature in individuals affected with CEP55-related conditions. An algorithm developed to predict the effect of missense changes on protein structure and function outputs the following: PolyPhen-2: "Benign". The serine amino acid residue is found in multiple mammalian species, which suggests that this missense change does not adversely affect protein function. In summary, the available evidence is currently insufficient to determine the role of this variant in disease. Therefore, it has been classified as a Variant of Uncertain Significance.

NM_018131.5(CEP55):c.440A>G (p.Asn147Ser)

Gene: CEP55 (centrosomal protein 55; plus strand). Cytogenetic location: 10q23.33.
Variant type: single nucleotide variant.
Coding change: c.440A>G on transcript NM_018131.5 (MANE Select); coding-DNA position 440, A replaced by G.
Protein change: p.Asn147Ser; replaces asparagine 147 with serine.
Molecular consequence: missense variant.
Genome position (GRCh38, 1-based): chr10:93,503,369, A>G. VCF-style: chr10-93503369-A-G. GRCh37 (hg19) VCF-style: chr10-95263126-A-G.
Other names: c.440A>G, p.Asn147Ser (NM_001127182.2); short protein forms N147S.
Identifiers: ClinVar variation 4709400 (VCV004709400.1).